The following is an entry in ClinVar:

Single allele

Genes: ALDOA (aldolase, fructose-bisphosphate A; plus strand), ASPHD1 (aspartate beta-hydroxylase domain containing 1; plus strand), C16orf54 (chromosome 16 open reading frame 54; minus strand), CDIPT (CDP-diacylglycerol--inositol 3-phosphatidyltransferase; minus strand), DOC2A (double C2 domain alpha; minus strand) and 21 more. Cytogenetic location: 16p11.2.
Variant type: Duplication.
Identifiers: ClinVar variation 5043562 (VCV005043562.1).

ClinVar aggregate classification (germline): Pathogenic (1 of 4 stars; one submission).

Conditions:
Chromosome 16p11.2 duplication syndrome. Identifiers: Orphanet 370079, MedGen C3553407, MONDO:0013847, OMIM 614671.

Submission:

Department of Prenatal Diagnosis, Henan Provincial People’s Hospital
Classification: Pathogenic for Chromosome 16p11.2 duplication syndrome. Last evaluated: 2026-11-25. Review status: criteria provided, single submitter. Criteria: ACMG/ClinGen CNV Guidelines, 2019. Collection method: research. Allele origin: maternal. Affected: yes. Observed: 1 variant allele.
Comment: Based on the "ACMG/ClinGen CNV Guidelines" (2019, PMID: 31690835), this dupliaction encompasses the triplosensitive genomic region-16p11.2 recurrent region (proximal, BP4-BP5) (includes TBX6)，which satisfies the criteria for Evidence Type 2A and is assigned a score of 1. As a result, the observed copy number duplication in this case achieves a cumulative score of ≥0.99, classifying it as a pathogenic copy number variant.